The following is an entry in ClinVar:

ClinVar aggregate classification (germline): Conflicting classifications of pathogenicity. Review status: criteria provided, conflicting classifications (1 of 4 stars). 5 submissions from 4 submitters: Uncertain significance (2); Likely benign (3). Last evaluated 2026-01-28.

Conditions:
Retinitis pigmentosa (RP). Identifiers: Orphanet 791, MedGen C0035334, MeSH D012174, MONDO:0019200, OMIM 268000. Inheritance: Autosomal dominant, autosomal recessive and X linked inheritance.
Leber congenital amaurosis 11 (LCA11). Identifiers: Orphanet 65, MedGen C1840284, MONDO:0013454, OMIM 613837.

Allele frequency attached by ClinVar (database versions not stated): gnomAD exomes 0.00028 and 0.00138; ExAC 0.00029; gnomAD 0.00081 and 0.00095; TOPMed 0.00134; 1000 Genomes Project 0.00220; 1000 Genomes Project 30x 0.00328.

Submissions (5):

Labcorp Genetics (formerly Invitae), Labcorp
Classification: Likely benign. Last evaluated: 2026-01-28. Review status: criteria provided, single submitter. Criteria: Invitae Variant Classification Sherloc (09022015). Collection method: clinical testing. Allele origin: germline.

Blueprint Genetics
Classification: Likely benign. Last evaluated: 2024-11-25. Review status: criteria provided, single submitter. Criteria: ACMG Guidelines, 2015. Collection method: clinical testing. Allele origin: germline.

Illumina Laboratory Services, Illumina
Classification: Likely benign for Retinitis pigmentosa. Last evaluated: 2018-01-13. Review status: criteria provided, single submitter. Criteria: ICSL Variant Classification Criteria 13 December 2019. Collection method: clinical testing. Allele origin: germline.
Comment: This variant was observed in the ICSL laboratory as part of a predisposition screen in an ostensibly healthy population. It had not been previously curated by ICSL or reported in the Human Gene Mutation Database (HGMD: prior to June 1st, 2018), and was therefore a candidate for classification through an automated scoring system. Utilizing variant allele frequency, disease prevalence and penetrance estimates, and inheritance mode, an automated score was calculated to assess if this variant is too frequent to cause the disease. Based on the score and internal cut-off values, a variant classified as likely benign is not then subjected to further curation. The score for this variant resulted in a classification of likely benign for this disease.

Illumina Laboratory Services, Illumina
Classification: Uncertain significance for Leber congenital amaurosis 11. Last evaluated: 2018-01-13. Review status: criteria provided, single submitter. Criteria: ICSL Variant Classification Criteria 13 December 2019. Collection method: clinical testing. Allele origin: germline.

Eurofins Ntd Llc (ga)
Classification: Uncertain significance. Last evaluated: 2015-10-27. Review status: criteria provided, single submitter. Criteria: EGL Classification Definitions 2015. Collection method: clinical testing. Allele origin: germline. Observed: 2 variant alleles, 2 heterozygotes.

NM_000883.4(IMPDH1):c.336C>T (p.Ala112=)

Gene: IMPDH1 (inosine monophosphate dehydrogenase 1; minus strand). Cytogenetic location: 7q32.1.
Variant type: single nucleotide variant.
Coding change: c.336C>T on transcript NM_000883.4 (MANE Select); coding-DNA position 336, C replaced by T.
Protein change: p.Ala112=; no amino-acid change (alanine 112 retained).
Molecular consequence: synonymous variant. On other transcripts: intron variant (2).
Genome position (GRCh38, 1-based): chr7:128,405,784, G>A on the plus strand (C>T on the coding strand, the complement: IMPDH1 is on the minus strand). VCF-style: chr7-128405784-G-A. GRCh37 (hg19) VCF-style: chr7-128045838-G-A.
Other names: c.306C>T, p.Ala102= (NM_001102605.2); c.81C>T, p.Ala27= (NM_001142573.2, NM_001142574.2, NM_001142575.2); c.228C>T, p.Ala76= (NM_183243.3); c.147-2030C>T (NM_001304521.2); c.255-2030C>T (NM_001142576.2).
Identifiers: ClinVar variation 197169 (VCV000197169.19), dbSNP rs547740249, ClinGen allele CA245158.